The following is an entry in ClinVar:

ClinVar aggregate classification (germline): Uncertain significance (1 of 4 stars; one submission).

Conditions:
Holoprosencephaly 9 (HPE9). Also called: PITUITARY ANOMALIES WITH HOLOPROSENCEPHALY-LIKE FEATURES; HOLOPROSENCEPHALY WITH MICROPHTHALMIA AND FIRST BRANCHIAL ARCH ANOMALIES. Identifiers: Orphanet 2162, MedGen C1835819, MONDO:0012563, OMIM 610829.
Postaxial polydactyly-anterior pituitary anomalies-facial dysmorphism syndrome. Also called: Culler-Jones syndrome. Identifiers: Orphanet 420584, MedGen C4014479, MONDO:0014369, OMIM 615849.

Submission:

Labcorp Genetics (formerly Invitae), Labcorp
Classification: Uncertain significance for Postaxial polydactyly-anterior pituitary anomalies-facial dysmorphism syndrome; Holoprosencephaly 9. Last evaluated: 2024-08-27. Review status: criteria provided, single submitter. Criteria: Invitae Variant Classification Sherloc (09022015). Collection method: clinical testing. Allele origin: germline.
Comment: This sequence change replaces threonine, which is neutral and polar, with serine, which is neutral and polar, at codon 753 of the GLI2 protein (p.Thr753Ser). This variant is not present in population databases (gnomAD no frequency). This variant has not been reported in the literature in individuals affected with GLI2-related conditions. Invitae Evidence Modeling of protein sequence and biophysical properties (such as structural, functional, and spatial information, amino acid conservation, physicochemical variation, residue mobility, and thermodynamic stability) indicates that this missense variant is not expected to disrupt GLI2 protein function with a negative predictive value of 80%. In summary, the available evidence is currently insufficient to determine the role of this variant in disease. Therefore, it has been classified as a Variant of Uncertain Significance.

NM_001374353.1(GLI2):c.2206A>T (p.Thr736Ser)

Gene: GLI2 (GLI family zinc finger 2; plus strand). Cytogenetic location: 2q14.2.
Variant type: single nucleotide variant.
Coding change: c.2206A>T on transcript NM_001374353.1 (MANE Select); coding-DNA position 2206, A replaced by T.
Protein change: p.Thr736Ser; replaces threonine 736 with serine.
Molecular consequence: missense variant.
Genome position (GRCh38, 1-based): chr2:120,986,578, A>T. VCF-style: chr2-120986578-A-T. GRCh37 (hg19) VCF-style: chr2-121744154-A-T.
Other names: c.2257A>T, p.Thr753Ser (NM_001371271.1, NM_005270.5); c.1831A>T, p.Thr611Ser (NM_001374354.1); short protein forms T611S, T736S, T753S.
Identifiers: ClinVar variation 3757839 (VCV003757839.2).
Genomic context (GRCh38, chr2:120,986,578, plus strand): 5'-AAGAAGGAGAAGCTCAAGTCACTCAAGGATTCCTGCTCATGGGCCGGGCCGACTCCACAC[A>T]CGCGGAACACCAAGCTGCCTCCCCTCCCGGGAAGTGGTGAGTAAAGGCCTGGGGTTTGCA-3'
Protein context (NP_001361282.1, residues 726-746): SCSWAGPTPH[Thr736Ser]RNTKLPPLPG